The following is an entry in ClinVar:

NM_000038.6(APC):c.1055G>A (p.Cys352Tyr)

Gene: APC (APC regulator of Wnt signaling pathway; plus strand). Cytogenetic location: 5q22.2.
Variant type: single nucleotide variant.
Coding change: c.1055G>A on transcript NM_000038.6 (MANE Select); coding-DNA position 1055, G replaced by A.
Protein change: p.Cys352Tyr; replaces cysteine 352 with tyrosine.
Molecular consequence: missense variant. On other transcripts: non-coding transcript variant (2), intron variant (15).
Genome position (GRCh38, 1-based): chr5:112,819,087, G>A. VCF-style: chr5-112819087-G-A. GRCh37 (hg19) VCF-style: chr5-112154784-G-A.
Other names: c.980G>A, p.Cys327Tyr (NM_001354898.2, NM_001407451.1); c.971G>A, p.Cys324Tyr (NM_001354899.2, NM_001407452.1); c.878G>A, p.Cys293Tyr (NM_001354900.2, NM_001354901.2, NM_001407453.1); c.206G>A, p.Cys69Tyr (NM_001354906.2, NM_001407470.1); c.1085G>A, p.Cys362Tyr (NM_001407446.1, NM_001354897.2); c.1055G>A, p.Cys352Tyr (NM_001407447.1, NM_001407448.1, NM_001407449.1 and 4 more transcripts); c.85-182G>A (NM_001407472.1, NM_001407471.1); c.934-182G>A (NM_001407456.1, NM_001407460.1, NM_001407457.1 and 5 more transcripts); and 5 more; short protein forms C324Y, C362Y, C327Y, C334Y, C352Y, C69Y, C293Y.
Identifiers: ClinVar variation 5025136 (VCV005025136.1).

ClinVar aggregate classification (germline): Uncertain significance (1 of 4 stars; one submission).

Conditions:
Hereditary cancer-predisposing syndrome. Also called: Neoplastic Syndromes, Hereditary; Tumor predisposition; Hereditary neoplastic syndrome; Hereditary Cancer Syndrome. Identifiers: Orphanet 140162, MedGen C0027672, MeSH D009386, MONDO:0015356.

Submission:

Ambry Genetics
Classification: Uncertain significance for Hereditary cancer-predisposing syndrome. Last evaluated: 2026-07-07. Review status: criteria provided, single submitter. Criteria: Ambry Variant Classification Scheme 2023. Collection method: clinical testing. Allele origin: germline.
Comment: The p.C352Y variant (also known as c.1055G>A), located in coding exon 9 of the APC gene, results from a G to A substitution at nucleotide position 1055. The cysteine at codon 352 is replaced by tyrosine, an amino acid with highly dissimilar properties. This amino acid position is conserved. In addition, in silico predictors for this gene do not accurately predict pathogenicity. Based on the available evidence, the clinical significance of this variant remains unclear.